The following is an entry in ClinVar:

GRCh37/hg19 19p13.3(chr19:260912-2934171)x3

Genes: ABCA7 (ATP binding cassette subfamily A member 7; plus strand), ABHD17A (abhydrolase domain containing 17A, depalmitoylase; minus strand), ADAMTSL5 (ADAMTS like 5; minus strand), ADAT3 (adenosine deaminase tRNA specific 3; plus strand), AMH (anti-Mullerian hormone; plus strand) and 92 more. Cytogenetic location: 19p13.3.
Variant type: copy number gain.
Change: copy number 3 (three copies instead of two) of chr19:260,912-2,934,171 (2.67 Mb, GRCh37 coordinates, 1-based), cytogenetic band 19p13.3.
Identifiers: ClinVar variation 3391863 (VCV003391863.2).

ClinVar aggregate classification (germline): Pathogenic (1 of 4 stars; one submission).

Submission:

Quest Diagnostics Nichols Institute San Juan Capistrano
Classification: Pathogenic. Last evaluated: 2024-10-08. Review status: criteria provided, single submitter. Criteria: ACMG/ClinGen CNV Guidelines, 2019. Collection method: clinical testing. Allele origin: unknown.
Comment: This copy number gain involves at least 95 protein-coding genes, including STK11 (OMIM 602216) and ELANE (OMIM 130130). Similar duplications have been identified in individuals with a range of phenotypic features (Ayaz 2022, Coppola 2019, Cucinotta 2023, Firth 2009). There are no similar copy number gains of this region in the general populations of the Database of Genomic Variants. Thus, based on current medical literature, this gain is classified as pathogenic. References: Ayaz et al., Medeni Med J. 2022 Jun 23;37(2):180-193. PMID: 35735171 Coppola et al., Epilepsia. 2019 Apr;60(4):689-706. PMID: 30866059 Cucinotta et al., Mol Genet Genomic Med. 2023 Aug;11(8):e2182. PMID: 37186221 Firth et al., Am J Hum Genet. 2009 Apr;84(4):524-33. PMID: 19344873